The following is an entry in ClinVar:

ClinVar aggregate classification (germline): Uncertain significance. Review status: criteria provided, multiple submitters, no conflicts (2 of 4 stars). 2 submissions from 2 submitters: Uncertain significance (2). Last evaluated 2024-05-15.

Conditions:
Telangiectasia, hereditary hemorrhagic, type 2 (HHT2). Also called: ACVRL1-Related Hereditary Hemorrhagic Telangiectasia; Telangiectasia, hereditary hemorrhagic, type II. Identifiers: Orphanet 774, MedGen C1838163, MONDO:0010880, OMIM 600376. Disease mechanism: loss of function.

Allele frequency attached by ClinVar (database versions not stated): gnomAD exomes below 0.00001 and 0.00002; gnomAD 0.00002 and 0.00003; TOPMed 0.00002.
gnomAD v4.1: 32 of 1,614,082 alleles (0.002%); highest among the groups gnomAD compares: Non-Finnish European, 0.0027%; no homozygotes.

Submissions (2):

Fulgent Genetics
Classification: Uncertain significance for Telangiectasia, hereditary hemorrhagic, type 2. Last evaluated: 2024-05-15. Review status: criteria provided, single submitter. Criteria: ACMG Guidelines, 2015. Collection method: clinical testing. Allele origin: germline.

Labcorp Genetics (formerly Invitae), Labcorp
Classification: Uncertain significance for Telangiectasia, hereditary hemorrhagic, type 2. Last evaluated: 2020-06-12. Review status: criteria provided, single submitter. Criteria: Invitae Variant Classification Sherloc (09022015). Collection method: clinical testing. Allele origin: germline.
Comment: This sequence change replaces aspartic acid with asparagine at codon 420 of the ACVRL1 protein (p.Asp420Asn). The aspartic acid residue is highly conserved and there is a small physicochemical difference between aspartic acid and asparagine. This variant is not present in population databases (ExAC no frequency). This variant has been observed in individual(s) with pulmonary arterial hypertension or clinical features of hereditary hemorrhagic telangiectasia (PMID: 31727138, Invitae). Algorithms developed to predict the effect of missense changes on protein structure and function are either unavailable or do not agree on the potential impact of this missense change (SIFT: "Deleterious"; PolyPhen-2: "Possibly Damaging"; Align-GVGD: "Class C0"). In summary, the available evidence is currently insufficient to determine the role of this variant in disease. Therefore, it has been classified as a Variant of Uncertain Significance.

Literature cited by the submitters: PubMed 31727138 (cited by Labcorp Genetics (formerly Invitae), Labcorp).

NM_000020.3(ACVRL1):c.1258G>A (p.Asp420Asn)

Gene: ACVRL1 (activin A receptor like type 1; plus strand). Cytogenetic location: 12q13.13.
Variant type: single nucleotide variant.
Coding change: c.1258G>A on transcript NM_000020.3 (MANE Select); coding-DNA position 1258, G replaced by A.
Protein change: p.Asp420Asn; replaces aspartic acid 420 with asparagine.
Molecular consequence: missense variant.
Genome position (GRCh38, 1-based): chr12:51,918,996, G>A. VCF-style: chr12-51918996-G-A. GRCh37 (hg19) VCF-style: chr12-52312780-G-A.
Other names: c.1258G>A, p.Asp420Asn (NM_001077401.2); short protein forms D420N.
Identifiers: ClinVar variation 950535 (VCV000950535.11), dbSNP rs1231598304, ClinGen allele CA384903653.